The following is an entry in ClinVar:

NM_002437.5(MPV17):c.353A>G (p.Asp118Gly)

Gene: MPV17 (mitochondrial inner membrane protein MPV17; minus strand). Cytogenetic location: 2p23.3.
Variant type: single nucleotide variant.
Coding change: c.353A>G on transcript NM_002437.5 (MANE Select); coding-DNA position 353, A replaced by G.
Protein change: p.Asp118Gly; replaces aspartic acid 118 with glycine.
Molecular consequence: missense variant.
Genome position (GRCh38, 1-based): chr2:27,312,516, T>C on the plus strand (A>G on the coding strand, the complement: MPV17 is on the minus strand). VCF-style: chr2-27312516-T-C. GRCh37 (hg19) VCF-style: chr2-27535383-T-C.
Other names: p.Asp118Gly; short protein forms D118G.
Identifiers: ClinVar variation 4542547 (VCV004542547.1).

ClinVar aggregate classification (germline): Uncertain significance (1 of 4 stars; one submission).

gnomAD v4.1: 3 of 1,614,020 alleles (0.00019%); highest among the groups gnomAD compares: Admixed American, 0.0017%; no homozygotes.

Submission:

Mayo Clinic Laboratories, Mayo Clinic
Classification: Uncertain significance. Last evaluated: 2025-10-02. Review status: criteria provided, single submitter. Criteria: ACMG Guidelines, 2015. Collection method: clinical testing. Allele origin: germline. Observed: 1 variant allele.
Comment: PM2_supporting